The following is an entry in ClinVar:

ClinVar aggregate classification (germline): Uncertain significance (1 of 4 stars; one submission).

Conditions:
Congenital muscular hypertrophy-cerebral syndrome (CDLS2). Also called: SMC1A-Related Cornelia de Lange Syndrome; Cornelia de Lange syndrome 2. Identifiers: Orphanet 199, MedGen C1802395, MONDO:0010370, OMIM 300590.

Submission:

Labcorp Genetics (formerly Invitae), Labcorp
Classification: Uncertain significance for Congenital muscular hypertrophy-cerebral syndrome. Last evaluated: 2019-06-13. Review status: criteria provided, single submitter. Criteria: Invitae Variant Classification Sherloc (09022015). Collection method: clinical testing. Allele origin: germline.
Comment: In summary, the available evidence is currently insufficient to determine the role of this variant in disease. Therefore, it has been classified as a Variant of Uncertain Significance. Nucleotide substitutions within the consensus splice site are a relatively common cause of aberrant splicing (PMID: 17576681, 9536098). Algorithms developed to predict the effect of sequence changes on RNA splicing suggest that this variant may disrupt the consensus splice site, but this prediction has not been confirmed by published transcriptional studies. This variant has not been reported in the literature in individuals with SMC1A-related conditions. This variant is not present in population databases (ExAC no frequency). This sequence change affects codon 991 of the SMC1A mRNA. It is a 'silent' change, meaning that it does not change the encoded amino acid sequence of the SMC1A protein. This variant also falls at the last nucleotide of exon 19 of the SMC1A coding sequence, which is part of the consensus splice site for this exon.

Literature cited by the submitters: PubMed 17576681; PubMed 9536098.

NM_006306.4(SMC1A):c.2973G>A (p.Lys991=)

Gene: SMC1A (structural maintenance of chromosomes 1A; minus strand). Cytogenetic location: Xp11.22.
Variant type: single nucleotide variant.
Coding change: c.2973G>A on transcript NM_006306.4 (MANE Select); coding-DNA position 2973, G replaced by A.
Protein change: p.Lys991=; no amino-acid change (lysine 991 retained).
Molecular consequence: synonymous variant.
Genome position (GRCh38, 1-based): chrX:53,394,778, C>T on the plus strand (G>A on the coding strand, the complement: SMC1A is on the minus strand). VCF-style: chrX-53394778-C-T. GRCh37 (hg19) VCF-style: chrX-53421698-C-T.
Other names: c.2907G>A, p.Lys969= (NM_001281463.1).
Identifiers: ClinVar variation 945631 (VCV000945631.9), dbSNP rs2075644860, ClinGen allele CA516556228.